The following is an entry in ClinVar:

ClinVar aggregate classification (germline): Uncertain significance (1 of 4 stars; one submission).

Conditions:
Early-infantile DEE. Also called: Ohtahara syndrome; Early infantile epileptic encephalopathy with suppression bursts; Early infantile epileptic encephalopathy. Identifiers: Orphanet 1934, MedGen C0393706, MONDO:0800491.

Submission:

Labcorp Genetics (formerly Invitae), Labcorp
Classification: Uncertain significance for Early-infantile DEE. Last evaluated: 2023-03-27. Review status: criteria provided, single submitter. Criteria: Invitae Variant Classification Sherloc (09022015). Collection method: clinical testing. Allele origin: germline.
Comment: In summary, the available evidence is currently insufficient to determine the role of this variant in disease. Therefore, it has been classified as a Variant of Uncertain Significance. Advanced modeling of protein sequence and biophysical properties (such as structural, functional, and spatial information, amino acid conservation, physicochemical variation, residue mobility, and thermodynamic stability) performed at Invitae indicates that this missense variant is expected to disrupt SCN8A protein function. This variant has not been reported in the literature in individuals affected with SCN8A-related conditions. This variant is not present in population databases (gnomAD no frequency). This sequence change replaces lysine, which is basic and polar, with asparagine, which is neutral and polar, at codon 1853 of the SCN8A protein (p.Lys1853Asn).

NM_001330260.2(SCN8A):c.5559G>C (p.Lys1853Asn)

Gene: SCN8A (sodium voltage-gated channel alpha subunit 8; plus strand). Cytogenetic location: 12q13.13.
Variant type: single nucleotide variant.
Coding change: c.5559G>C on transcript NM_001330260.2 (MANE Select); coding-DNA position 5559, G replaced by C.
Protein change: p.Lys1853Asn; replaces lysine 1853 with asparagine.
Molecular consequence: missense variant.
Genome position (GRCh38, 1-based): chr12:51,807,045, G>C. VCF-style: chr12-51807045-G-C. GRCh37 (hg19) VCF-style: chr12-52200829-G-C.
Other names: c.5436G>C, p.Lys1812Asn (NM_001177984.3, NM_001369788.1); c.5559G>C, p.Lys1853Asn (NM_014191.4); short protein forms K1853N, K1812N.
Identifiers: ClinVar variation 2850013 (VCV002850013.3), dbSNP rs752806902, ClinGen allele CA384887552.